The following is an entry in ClinVar:

ClinVar aggregate classification (germline): Uncertain significance (1 of 4 stars; one submission).

Conditions:
Inborn genetic diseases. Identifiers: MedGen C0950123, MeSH D030342.

gnomAD v4.1: 1 of 1,613,708 alleles (0.000062%); highest among the groups gnomAD compares: African/African-American, 0.0013%; no homozygotes.

Submission:

Ambry Genetics
Classification: Uncertain significance for Inborn genetic diseases. Last evaluated: 2026-04-26. Review status: criteria provided, single submitter. Criteria: Ambry Variant Classification Scheme 2023. Collection method: clinical testing. Allele origin: germline.
Comment: The p.N947D variant (also known as c.2839A>G), located in coding exon 12 of the BMPR2 gene, results from an A to G substitution at nucleotide position 2839. The asparagine at codon 947 is replaced by aspartic acid, an amino acid with highly similar properties. This amino acid position is conserved. In addition, this alteration is predicted to be tolerated by in silico analysis. Based on the available evidence, the clinical significance of this variant remains unclear.

NM_001204.7(BMPR2):c.2839A>G (p.Asn947Asp)

Gene: BMPR2 (bone morphogenetic protein receptor type 2; plus strand). Cytogenetic location: 2q33.2.
Variant type: single nucleotide variant.
Coding change: c.2839A>G on transcript NM_001204.7 (MANE Select); coding-DNA position 2839, A replaced by G.
Protein change: p.Asn947Asp; replaces asparagine 947 with aspartic acid.
Molecular consequence: missense variant.
Genome position (GRCh38, 1-based): chr2:202,556,504, A>G. VCF-style: chr2-202556504-A-G. GRCh37 (hg19) VCF-style: chr2-203421227-A-G.
Other names: short protein forms N947D.
Identifiers: ClinVar variation 4867615 (VCV004867615.1).